The following is an entry in ClinVar:

ClinVar aggregate classification (germline): Conflicting classifications of pathogenicity. Review status: criteria provided, conflicting classifications (1 of 4 stars). 2 submissions from 2 submitters: Uncertain significance (1); Likely benign (1). Last evaluated 2023-03-23.

Conditions:
Hereditary cancer-predisposing syndrome. Also called: Hereditary Cancer Syndrome; Tumor predisposition; Neoplastic Syndromes, Hereditary; Hereditary neoplastic syndrome. Identifiers: Orphanet 140162, MedGen C0027672, MeSH D009386, MONDO:0015356.

Submissions (2):

University of Washington Department of Laboratory Medicine, University of Washington
Classification: Likely benign for Hereditary cancer-predisposing syndrome. Last evaluated: 2023-03-23. Review status: criteria provided, single submitter. Criteria: Dines et al. (Genet Med. 2020). Collection method: curation. Allele origin: germline.
Comment: Missense variant in a coldspot region where missense variants are very unlikely to be pathogenic (PMID:31911673).

BRCA1 coldspot (exon 11 using historical exon numbering). Reclassification based on statistical prior probability

Quest Diagnostics Nichols Institute San Juan Capistrano
Classification: Uncertain significance. Last evaluated: 2021-05-14. Review status: criteria provided, single submitter. Criteria: Quest Diagnostics criteria. Collection method: clinical testing. Allele origin: unknown.

NM_007294.4(BRCA1):c.2153T>C (p.Leu718Pro)

Gene: BRCA1 (BRCA1 DNA repair associated; minus strand). Cytogenetic location: 17q21.31.
Variant type: single nucleotide variant.
Coding change: c.2153T>C on transcript NM_007294.4 (MANE Select); coding-DNA position 2153, T replaced by C.
Protein change: p.Leu718Pro; replaces leucine 718 with proline.
Molecular consequence: missense variant. On other transcripts: intron variant (137).
Genome position (GRCh38, 1-based): chr17:43,093,378, A>G on the plus strand (T>C on the coding strand, the complement: BRCA1 is on the minus strand). VCF-style: chr17-43093378-A-G. GRCh37 (hg19) VCF-style: chr17-41245395-A-G.
Other names: c.2030T>C, p.Leu677Pro (NM_001407674.1, NM_001407675.1, NM_001407676.1 and 19 more transcripts); c.2153T>C, p.Leu718Pro (NM_001407684.1, NM_001407581.1, NM_001407582.1 and 30 more transcripts); c.2027T>C, p.Leu676Pro (NM_001407685.1, NM_001407686.1, NM_001407687.1 and 11 more transcripts); c.2012T>C, p.Leu671Pro (NM_001407698.1, NM_001407724.1, NM_001407725.1 and 29 more transcripts); c.1940T>C, p.Leu647Pro (NM_001407571.1, NM_001407853.1, NM_001407894.1 and 9 more transcripts); c.2150T>C, p.Leu717Pro (NM_001407587.1, NM_001407590.1, NM_001407591.1 and 22 more transcripts); c.2144T>C, p.Leu715Pro (NM_001407646.1, NM_001407647.1); c.2075T>C, p.Leu692Pro (NM_001407653.1, NM_001407654.1, NM_001407655.1 and 4 more transcripts); and 41 more; short protein forms L671P, L718P, L648P, L651P, L676P, L677P, L422P, L591P.
Identifiers: ClinVar variation 1330123 (VCV001330123.4), dbSNP rs748550848, ClinGen allele CA10597696.
Genomic context (GRCh38, chr17:43,093,378, plus strand): 5'-ACTGTTTCTAGTTTCTCTTCTTTTTCTTCTCTTGGAAGGCTAGGATTGACAAATTCTTTA[A>G]GTTCACTGGTATTTGAACACTTAGTAAAAGAACCAGGTGCATTTGTTAACTTCAGCTCTG-3'
Protein context (NP_009225.1, residues 708-728): SFTKCSNTSE[Leu718Pro]KEFVNPSLPR